The following is an entry in ClinVar:

NM_016373.4(WWOX):c.231-5G>A

Gene: WWOX (WW domain containing oxidoreductase; plus strand). Cytogenetic location: 16q23.1.
Variant type: single nucleotide variant.
Coding change: c.231-5G>A on transcript NM_016373.4 (MANE Select); 5 bases into the intron before coding-DNA position 231, G replaced by A.
Molecular consequence: intron variant.
Genome position (GRCh38, 1-based): chr16:78,114,971, G>A. VCF-style: chr16-78114971-G-A. GRCh37 (hg19) VCF-style: chr16-78148868-G-A.
Other names: c.-109-5G>A (NM_001291997.2); c.231-5G>A (NM_130791.5).
Identifiers: ClinVar variation 2134702 (VCV002134702.4), dbSNP rs2032699113, ClinGen allele CA2576068391.

ClinVar aggregate classification (germline): Uncertain significance (1 of 4 stars; one submission).

Conditions:
Developmental and epileptic encephalopathy, 1 (DEE1). Also called: X-linked infantile spasms; West's syndrome; Tonic spasms with clustering, arrest of psychomotor development and hypsarrhythmia on EEG; X-Linked Infantile Spasm Syndrome; Epileptic encephalopathy, early infantile, 1; INFANTILE SPASM SYNDROME, X-LINKED 1. Identifiers: MedGen C3463992, MONDO:0010632, OMIM 308350. Disease mechanism: loss of function.
Autosomal recessive spinocerebellar ataxia 12. Also called: SPINOCEREBELLAR ATAXIA WITH MENTAL RETARDATION AND EPILEPSY. Identifiers: Orphanet 284282, MedGen C3280452, MONDO:0013687, OMIM 614322.

Allele frequency attached by ClinVar (database versions not stated): gnomAD exomes 0.00001.
gnomAD v4.1: 5 of 1,614,018 alleles (0.00031%); highest among the groups gnomAD compares: Non-Finnish European, 0.00042%; no homozygotes.

Submission:

Labcorp Genetics (formerly Invitae), Labcorp
Classification: Uncertain significance for Developmental and epileptic encephalopathy, 1; Autosomal recessive spinocerebellar ataxia 12. Last evaluated: 2022-05-06. Review status: criteria provided, single submitter. Criteria: Invitae Variant Classification Sherloc (09022015). Collection method: clinical testing. Allele origin: germline.
Comment: In summary, the available evidence is currently insufficient to determine the role of this variant in disease. Therefore, it has been classified as a Variant of Uncertain Significance. Algorithms developed to predict the effect of sequence changes on RNA splicing suggest that this variant may create or strengthen a splice site. This sequence change falls in intron 3 of the WWOX gene. It does not directly change the encoded amino acid sequence of the WWOX protein. This variant is not present in population databases (gnomAD no frequency). This variant has not been reported in the literature in individuals affected with WWOX-related conditions.